The following is an entry in ClinVar:

ClinVar aggregate classification (germline): Likely pathogenic (1 of 4 stars; one submission).

Conditions:
Fanconi anemia complementation group O. Also called: RAD51C-Related Fanconi Anemia. Identifiers: Orphanet 84, MedGen C3150653, MONDO:0013248, OMIM 613390.

Submission:

Labcorp Genetics (formerly Invitae), Labcorp
Classification: Likely pathogenic for Fanconi anemia complementation group O. Last evaluated: 2024-01-03. Review status: criteria provided, single submitter. Criteria: Invitae Variant Classification Sherloc (09022015). Collection method: clinical testing. Allele origin: germline.
Comment: This sequence change creates a premature translational stop signal (p.Gln344*) in the RAD51C gene. While this is not anticipated to result in nonsense mediated decay, it is expected to disrupt the last 33 amino acid(s) of the RAD51C protein. This variant is not present in population databases (gnomAD no frequency). This variant has not been reported in the literature in individuals affected with RAD51C-related conditions. ClinVar contains an entry for this variant (Variation ID: 1983811). Algorithms developed to predict the effect of sequence changes on RNA splicing suggest that this variant may disrupt the consensus splice site. This variant disrupts the nuclear localization signal (NLS) of the RAD51C protein, which is important for proper localization and function of the RAD51C protein (PMID:12966089). While functional studies have not been performed to directly test the effect of this variant on RAD51C protein function, this suggests that disruption of this region of the protein is causative of disease. In summary, the currently available evidence indicates that the variant is pathogenic, but additional data are needed to prove that conclusively. Therefore, this variant has been classified as Likely Pathogenic.

Literature cited by the submitters: PubMed 12966089.

NM_058216.3(RAD51C):c.1030C>T (p.Gln344Ter)

Gene: RAD51C (RAD51 paralog C; plus strand). Cytogenetic location: 17q22.
Variant type: single nucleotide variant.
Coding change: c.1030C>T on transcript NM_058216.3 (MANE Select); coding-DNA position 1030, C replaced by T.
Protein change: p.Gln344Ter; replaces glutamine 344 with a stop codon.
Molecular consequence: nonsense. On other transcripts: non-coding transcript variant (1).
Genome position (GRCh38, 1-based): chr17:58,734,121, C>T. VCF-style: chr17-58734121-C-T. GRCh37 (hg19) VCF-style: chr17-56811482-C-T.
Other names: c.*458C>T (NM_058217.1); short protein forms Q344*.
Identifiers: ClinVar variation 1983811 (VCV001983811.4), dbSNP rs2144060112, ClinGen allele CA400365829.